The following is an entry in ClinVar:

ClinVar aggregate classification (germline): Uncertain significance (1 of 4 stars; one submission).

Conditions:
Werner syndrome (WRN). Identifiers: Orphanet 902, MedGen C0043119, MONDO:0010196, OMIM 277700.

Allele frequency attached by ClinVar (database versions not stated): gnomAD exomes below 0.00001.
gnomAD v4.1: 1 of 1,613,228 alleles (0.000062%); highest among the groups gnomAD compares: Non-Finnish European, 0.000085%; no homozygotes.

Submission:

Labcorp Genetics (formerly Invitae), Labcorp
Classification: Uncertain significance for Werner syndrome. Last evaluated: 2023-08-24. Review status: criteria provided, single submitter. Criteria: Invitae Variant Classification Sherloc (09022015). Collection method: clinical testing. Allele origin: germline.
Comment: In summary, the available evidence is currently insufficient to determine the role of this variant in disease. Therefore, it has been classified as a Variant of Uncertain Significance. An algorithm developed to predict the effect of missense changes on protein structure and function (PolyPhen-2) suggests that this variant is likely to be tolerated. ClinVar contains an entry for this variant (Variation ID: 575339). This variant has not been reported in the literature in individuals affected with WRN-related conditions. This variant is not present in population databases (gnomAD no frequency). This sequence change replaces methionine, which is neutral and non-polar, with valine, which is neutral and non-polar, at codon 650 of the WRN protein (p.Met650Val).

NM_000553.6(WRN):c.1948A>G (p.Met650Val)

Gene: WRN (WRN RecQ like helicase; plus strand). Cytogenetic location: 8p12.
Variant type: single nucleotide variant.
Coding change: c.1948A>G on transcript NM_000553.6 (MANE Select); coding-DNA position 1948, A replaced by G.
Protein change: p.Met650Val; replaces methionine 650 with valine.
Molecular consequence: missense variant.
Genome position (GRCh38, 1-based): chr8:31,096,817, A>G. VCF-style: chr8-31096817-A-G. GRCh37 (hg19) VCF-style: chr8-30954333-A-G.
Other names: short protein forms M650V.
Identifiers: ClinVar variation 575339 (VCV000575339.5), dbSNP rs1563348619, ClinGen allele CA370929809.